The following is an entry in ClinVar:

ClinVar aggregate classification (germline): Pathogenic/Likely pathogenic. Review status: criteria provided, multiple submitters, no conflicts (2 of 4 stars). 2 submissions from 2 submitters: Pathogenic (1); Likely pathogenic (1). Last evaluated 2024-07-25.

Conditions:
Juvenile retinoschisis (RS1). Also called: X-linked retinoschisis; X-Linked Juvenile Retinoschisis. Identifiers: Orphanet 792, MedGen C3714753, MONDO:0010725, OMIM 312700.

Submissions (2):

North West Genomic Laboratory Hub, Manchester University NHS Foundation Trust
Classification: Likely pathogenic for Juvenile retinoschisis. Last evaluated: 2024-07-25. Review status: criteria provided, single submitter. Criteria: ACGS Best Practice Guidelines for Variant Classification in Rare Disease 2020. Collection method: clinical testing. Allele origin: germline. Affected: yes.
Comment: PM2_Mod PVS1_Str

Labcorp Genetics (formerly Invitae), Labcorp
Classification: Pathogenic. Last evaluated: 2023-08-14. Review status: criteria provided, single submitter. Criteria: Invitae Variant Classification Sherloc (09022015). Collection method: clinical testing. Allele origin: germline.
Comment: This sequence change creates a premature translational stop signal (p.Gln169*) in the RS1 gene. While this is not anticipated to result in nonsense mediated decay, it is expected to disrupt the last 56 amino acid(s) of the RS1 protein. This variant is not present in population databases (gnomAD no frequency). This premature translational stop signal has been observed in individual(s) with retinoschisis (PMID: 32300273). This variant disrupts a region of the RS1 protein in which other variant(s) (p.Cys223Tyr) have been determined to be pathogenic (PMID: 20061330, 22245991; Invitae). This suggests that this is a clinically significant region of the protein, and that variants that disrupt it are likely to be disease-causing. For these reasons, this variant has been classified as Pathogenic.

Literature cited by the submitters: PubMed 32300273 (cited by Labcorp Genetics (formerly Invitae), Labcorp); PubMed 20061330 (cited by Labcorp Genetics (formerly Invitae), Labcorp); PubMed 22245991 (cited by Labcorp Genetics (formerly Invitae), Labcorp).

NM_000330.4(RS1):c.505C>T (p.Gln169Ter)

Genes: CDKL5 (cyclin dependent kinase like 5; plus strand), RS1 (retinoschisin 1; minus strand). Cytogenetic location: Xp22.13.
Variant type: single nucleotide variant.
Coding change: c.505C>T on transcript NM_000330.4 (MANE Select); coding-DNA position 505, C replaced by T.
Protein change: p.Gln169Ter; replaces glutamine 169 with a stop codon.
Molecular consequence: nonsense. On other transcripts: intron variant (2).
Genome position (GRCh38, 1-based): chrX:18,644,447, G>A on the plus strand (C>T on the coding strand, the complement: RS1 is on the minus strand). VCF-style: chrX-18644447-G-A. GRCh37 (hg19) VCF-style: chrX-18662567-G-A.
Other names: c.2714-1560G>A (NM_003159.3, NM_001037343.2); short protein forms Q169*.
Identifiers: ClinVar variation 2982432 (VCV002982432.3), dbSNP rs2518919549, ClinGen allele CA412371271.
Genomic context (GRCh38, chrX:18,644,447, plus strand): 5'-AGAGGGTGCGAGCTGAAGTTGGTTTGGGATAAGCCCAACTTACCCGGTTGTTTCCAGTCT[G>A]GTCCTTGTAGTAAATCCAGTTCAGGCGCTCATCGGTCCTGTACTGCACGCTGTACTTGGT-3'